The following is an entry in ClinVar:

ClinVar aggregate classification (germline): Uncertain significance. Review status: criteria provided, multiple submitters, no conflicts (2 of 4 stars). 3 submissions from 3 submitters: Uncertain significance (3). Last evaluated 2024-09-13.

Conditions:
Hereditary cancer-predisposing syndrome. Also called: Hereditary neoplastic syndrome; Hereditary Cancer Syndrome; Neoplastic Syndromes, Hereditary; Tumor predisposition. Identifiers: Orphanet 140162, MedGen C0027672, MeSH D009386, MONDO:0015356.
Familial adenomatous polyposis 1 (FAP1). Also called: FAMILIAL ADENOMATOUS POLYPOSIS 1, ATTENUATED; POLYPOSIS, ADENOMATOUS INTESTINAL. Identifiers: MedGen C2713442, MONDO:0021056, OMIM 175100. Disease mechanism: loss of function.

Submissions (3):

Ambry Genetics
Classification: Uncertain significance for Hereditary cancer-predisposing syndrome. Last evaluated: 2024-09-13. Review status: criteria provided, single submitter. Criteria: Ambry Variant Classification Scheme 2023. Collection method: clinical testing. Allele origin: germline.
Comment: The p.Q1905R variant (also known as c.5714A>G), located in coding exon 15 of the APC gene, results from an A to G substitution at nucleotide position 5714. The glutamine at codon 1905 is replaced by arginine, an amino acid with highly similar properties. This amino acid position is well conserved in available vertebrate species. Missense alterations in APC are not a common cause of disease (Spier I et al. Genet Med. 2024 Feb;26(2):100992). In addition, in silico predictors for this gene do not accurately predict pathogenicity. Since supporting evidence is limited at this time, the clinical significance of this alteration remains unclear.

Color Diagnostics, LLC DBA Color Health
Classification: Uncertain significance for Hereditary cancer-predisposing syndrome. Last evaluated: 2024-03-06. Review status: criteria provided, single submitter. Criteria: ACMG Guidelines, 2015. Collection method: clinical testing. Allele origin: germline.
Comment: This missense variant replaces glutamine with arginine at codon 1905 of the APC protein. Computational prediction suggests that this variant may not impact protein structure and function (internally defined REVEL score threshold <= 0.5, PMID: 27666373). To our knowledge, functional studies have not been reported for this variant. This variant has not been reported in individuals affected with APC-related disorders in the literature. This variant has not been identified in the general population by the Genome Aggregation Database (gnomAD). The available evidence is insufficient to determine the role of this variant in disease conclusively. Therefore, this variant is classified as a Variant of Uncertain Significance.

Labcorp Genetics (formerly Invitae), Labcorp
Classification: Uncertain significance for Familial adenomatous polyposis 1. Last evaluated: 2023-12-10. Review status: criteria provided, single submitter. Criteria: Invitae Variant Classification Sherloc (09022015). Collection method: clinical testing. Allele origin: germline.
Comment: This sequence change replaces glutamine, which is neutral and polar, with arginine, which is basic and polar, at codon 1905 of the APC protein (p.Gln1905Arg). This variant is not present in population databases (gnomAD no frequency). This variant has not been reported in the literature in individuals affected with APC-related conditions. ClinVar contains an entry for this variant (Variation ID: 230026). Advanced modeling of protein sequence and biophysical properties (such as structural, functional, and spatial information, amino acid conservation, physicochemical variation, residue mobility, and thermodynamic stability) performed at Invitae indicates that this missense variant is not expected to disrupt APC protein function with a negative predictive value of 95%. In summary, the available evidence is currently insufficient to determine the role of this variant in disease. Therefore, it has been classified as a Variant of Uncertain Significance.

NM_000038.6(APC):c.5714A>G (p.Gln1905Arg)

Gene: APC (APC regulator of Wnt signaling pathway; plus strand). Cytogenetic location: 5q22.2.
Variant type: single nucleotide variant.
Coding change: c.5714A>G on transcript NM_000038.6 (MANE Select); coding-DNA position 5714, A replaced by G.
Protein change: p.Gln1905Arg; replaces glutamine 1905 with arginine.
Molecular consequence: missense variant.
Genome position (GRCh38, 1-based): chr5:112,841,308, A>G. VCF-style: chr5-112841308-A-G. GRCh37 (hg19) VCF-style: chr5-112177005-A-G.
Other names: c.5714A>G, p.Gln1905Arg (NM_001127510.3, NM_001354895.2); c.5660A>G, p.Gln1887Arg (NM_001127511.3); c.5768A>G, p.Gln1923Arg (NM_001354896.2); c.5744A>G, p.Gln1915Arg (NM_001354897.2); c.5639A>G, p.Gln1880Arg (NM_001354898.2); c.5630A>G, p.Gln1877Arg (NM_001354899.2); c.5591A>G, p.Gln1864Arg (NM_001354900.2); c.5537A>G, p.Gln1846Arg (NM_001354901.2); and 5 more; short protein forms Q1887R, Q1905R, Q1622R, Q1877R, Q1814R, Q1915R, Q1846R, Q1880R.
Identifiers: ClinVar variation 230026 (VCV000230026.21), dbSNP rs876658338, ClinGen allele CA10578410.
Genomic context (GRCh38, chr5:112,841,308, plus strand): 5'-AAGAAAATAAGGAATCAGAGGCTAAAGTTACCAGCCACACAGAACTAACCTCCAACCAAC[A>G]ATCAGCTAATAAGACACAAGCTATTGCAAAGCAGCCAATAAATCGAGGTCAGCCTAAACC-3'
Protein context (NP_000029.2, residues 1895-1915): TSHTELTSNQ[Gln1905Arg]SANKTQAIAK